The following is an entry in ClinVar:

ClinVar aggregate classification (germline): Uncertain significance (1 of 4 stars; one submission).

Submission:

Labcorp Genetics (formerly Invitae), Labcorp
Classification: Uncertain significance. Last evaluated: 2025-03-16. Review status: criteria provided, single submitter. Criteria: Invitae Variant Classification Sherloc (09022015). Collection method: clinical testing. Allele origin: germline.
Comment: This sequence change replaces glycine, which is neutral and non-polar, with serine, which is neutral and polar, at codon 42 of the POLR3F protein (p.Gly42Ser). This variant is not present in population databases (gnomAD no frequency). This variant has not been reported in the literature in individuals affected with POLR3F-related conditions. Experimental studies and prediction algorithms are not available or were not evaluated, and the functional significance of this variant is currently unknown. In summary, the available evidence is currently insufficient to determine the role of this variant in disease. Therefore, it has been classified as a Variant of Uncertain Significance.

NM_006466.4(POLR3F):c.247G>A (p.Gly83Ser)

Gene: POLR3F (RNA polymerase III subunit F; plus strand). Cytogenetic location: 20p11.23.
Variant type: single nucleotide variant.
Coding change: c.247G>A on transcript NM_006466.4 (MANE Select); coding-DNA position 247, G replaced by A.
Protein change: p.Gly83Ser; replaces glycine 83 with serine.
Molecular consequence: missense variant. On other transcripts: non-coding transcript variant (1).
Genome position (GRCh38, 1-based): chr20:18,472,908, G>A. VCF-style: chr20-18472908-G-A. GRCh37 (hg19) VCF-style: chr20-18453552-G-A.
Other names: c.124G>A, p.Gly42Ser (NM_001282526.2); c.247G>A, p.Gly83Ser (NM_001410821.1); short protein forms G42S, G83S.
Identifiers: ClinVar variation 4760524 (VCV004760524.1).